The following is an entry in ClinVar:

NM_001252102.2(KIF21B):c.865C>T (p.Arg289Trp)

Gene: KIF21B (kinesin family member 21B; minus strand). Cytogenetic location: 1q32.1.
Variant type: single nucleotide variant.
Coding change: c.865C>T on transcript NM_001252102.2 (MANE Select); coding-DNA position 865, C replaced by T.
Protein change: p.Arg289Trp; replaces arginine 289 with tryptophan.
Molecular consequence: missense variant.
Genome position (GRCh38, 1-based): chr1:201,004,801, G>A on the plus strand (C>T on the coding strand, the complement: KIF21B is on the minus strand). VCF-style: chr1-201004801-G-A. GRCh37 (hg19) VCF-style: chr1-200973929-G-A.
Other names: c.865C>T, p.Arg289Trp (NM_001252100.2, NM_001252103.2, NM_017596.4); short protein forms R289W.
Identifiers: ClinVar variation 1699088 (VCV001699088.3), dbSNP rs1459259252, ClinGen allele CA344111853.

ClinVar aggregate classification (germline): Uncertain significance (1 of 4 stars; one submission).

Conditions:
Neurodevelopmental disorder. Identifiers: MedGen C1535926, MeSH D065886, MONDO:0700092.

Allele frequency attached by ClinVar (database versions not stated): gnomAD exomes below 0.00001 and 0.00001; TOPMed below 0.00001; gnomAD 0.00001.
gnomAD v4.1: 4 of 1,613,916 alleles (0.00025%); highest among the groups gnomAD compares: African/African-American, 0.0013%; no homozygotes.

Submission:

Victorian Clinical Genetics Services, Murdoch Childrens Research Institute
Classification: Uncertain significance for Neurodevelopmental disorder. Last evaluated: 2022-02-02. Review status: criteria provided, single submitter. Criteria: ACMG Guidelines, 2015. Collection method: clinical testing. Allele origin: germline. Inheritance: Autosomal dominant inheritance. Affected: yes.
Comment: Based on the classification scheme VCGS_Germline_v1.3.4, this variant is classified as VUS-3A. Following criteria are met: 0105 - The mechanism of disease for this gene is not clearly established. However, functional studies on missense variants has demonstrated that dominant negative and gain of function are both likely mechanisms of disease (PMID: 32415109). (I) 0107 - This gene is associated with autosomal dominant disease. (I) 0200 - Variant is predicted to result in a missense amino acid change from arginine to tryptophan. (I) 0251 - This variant is heterozygous. (I) 0302 - Variant is present in gnomAD (v2) <0.001 for a dominant condition (2 heterozygotes, 0 homozygotes). (SP) 0309 - An alternative amino acid change at the same position has been observed in gnomAD (v2) (3 heterozygotes, 0 homozygotes). (I) 0501 - Missense variant consistently predicted to be damaging by multiple in silico tools or highly conserved with a major amino acid change. (SP) 0600 - Variant is located in the annotated kinesin motor domain (NCBI, UniProt). (I) 0705 - No comparable missense variants have previous evidence for pathogenicity. (I) 0807 - This variant has no previous evidence of pathogenicity. (I) 0905 - No published segregation evidence has been identified for this variant. (I) 1007 - No published functional evidence has been identified for this variant. (SP) Legend: (SP) - Supporting pathogenic, (I) - Information, (SB) - Supporting benign

Literature cited by the submitters: PubMed 32415109.